The following is an entry in ClinVar:

ClinVar aggregate classification (germline): Uncertain significance. Review status: criteria provided, multiple submitters, no conflicts (2 of 4 stars). 5 submissions from 5 submitters: Uncertain significance (4). 1 of the submissions does not count toward it. Last evaluated 2023-01-13.

Conditions:
Walker-Warburg congenital muscular dystrophy. Also called: Muscular dystrophy-dystroglycanopathy, type A; Walker-Warburg syndrome. Identifiers: Orphanet 899, MedGen C0265221, MONDO:0000171.
Muscular dystrophy-dystroglycanopathy (congenital with brain and eye anomalies), type A1 (MDDGA1). Also called: WALKER-WARBURG SYNDROME OR MUSCLE-EYE-BRAIN DISEASE, POMT1-RELATED; Hydrocephalus, agyria and retinal dysplasia; Hard +/- E syndrome; Warburg syndrome; Chemke syndrome; Pagon syndrome. Identifiers: Orphanet 588, Orphanet 899, MedGen C4284790, MONDO:0009364, OMIM 236670.
Muscular dystrophy-dystroglycanopathy (congenital with brain and eye anomalies), type A, 4 (MDDGA4). Also called: Congenital muscular dystrophy-dystroglycanopathy with brain and eye anomalies, type A4; Walker-Warburg Syndrome, Fktn-Related; Muscular dystrophy, congenital progressive, with mental retardation; Muscular dystrophy, congenital, with central nervous system involvement; Cerebromuscular dystrophy, Fukuyama type; Fukuyama congenital muscular dystrophy. Identifiers: Orphanet 272, Orphanet 588, Orphanet 899, MedGen C0410174, MONDO:0009678, OMIM 253800.
Dilated cardiomyopathy 1X (CMD1X). Also called: FKTN-Related Dilated Cardiomyopathy; CARDIOMYOPATHY, DILATED, WITH MILD OR NO PROXIMAL MUSCLE WEAKNESS. Identifiers: Orphanet 154, MedGen C1969024, MONDO:0012704, OMIM 611615.
Muscular dystrophy-dystroglycanopathy (congenital without impaired intellectual development), type B, 4. Also called: Muscular dystrophy-dystroglycanopathy (congenital without intellectual disability), type B4; MUSCULAR DYSTROPHY, CONGENITAL, FKTN-RELATED. Identifiers: MedGen C2751052, MONDO:0013156, OMIM 613152.
Autosomal recessive limb-girdle muscular dystrophy type 2M. Also called: MUSCULAR DYSTROPHY, LIMB-GIRDLE, TYPE 2M; MUSCULAR DYSTROPHY-DYSTROGLYCANOPATHY (LIMB-GIRDLE), TYPE C, 4. Identifiers: Orphanet 206554, MedGen C1969040, MONDO:0012699, OMIM 611588.

Allele frequency attached by ClinVar (database versions not stated): TOPMed 0.00001; gnomAD 0.00001.
gnomAD v4.1: 21 of 1,613,696 alleles (0.0013%); highest among the groups gnomAD compares: East Asian, 0.0022%; no homozygotes.

Submissions (5):

Revvity Omics, Revvity
Classification: Uncertain significance. Last evaluated: 2023-01-13. Review status: criteria provided, single submitter. Criteria: ACMG Guidelines, 2015. Collection method: clinical testing. Allele origin: germline.

Labcorp Genetics (formerly Invitae), Labcorp
Classification: Uncertain significance for Walker-Warburg congenital muscular dystrophy. Last evaluated: 2022-11-01. Review status: criteria provided, single submitter. Criteria: Invitae Variant Classification Sherloc (09022015). Collection method: clinical testing. Allele origin: germline.
Comment: This sequence change replaces glycine, which is neutral and non-polar, with serine, which is neutral and polar, at codon 187 of the FKTN protein (p.Gly187Ser). This variant is not present in population databases (gnomAD no frequency). This missense change has been observed in individual(s) with clinical features of Emery-Dreifuss muscular dystrophy (PMID: 31862442). ClinVar contains an entry for this variant (Variation ID: 450015). Advanced modeling of protein sequence and biophysical properties (such as structural, functional, and spatial information, amino acid conservation, physicochemical variation, residue mobility, and thermodynamic stability) performed at Invitae indicates that this missense variant is not expected to disrupt FKTN protein function. In summary, the available evidence is currently insufficient to determine the role of this variant in disease. Therefore, it has been classified as a Variant of Uncertain Significance.

Fulgent Genetics
Classification: Uncertain significance for Muscular dystrophy-dystroglycanopathy (congenital with brain and eye anomalies), type A1; Muscular dystrophy-dystroglycanopathy (congenital with brain and eye anomalies), type A, 4; Autosomal recessive limb-girdle muscular dystrophy type 2M; Dilated cardiomyopathy 1X; Muscular dystrophy-dystroglycanopathy (congenital without impaired intellectual development), type B, 4. Last evaluated: 2018-10-31. Review status: criteria provided, single submitter. Criteria: ACMG Guidelines, 2015. Collection method: clinical testing. Allele origin: unknown.

GeneDx
Classification: Uncertain significance. Last evaluated: 2017-06-22. Review status: criteria provided, single submitter. Criteria: GeneDx Variant Classification (06012015). Collection method: clinical testing. Allele origin: germline. Affected: yes.
Comment: The G187S variant in the FKTN gene has not been reported previously as a pathogenic variant, nor as a benign variant, to our knowledge. The G187S variant is not observed in large population cohorts (Lek et al., 2016; 1000 Genomes Consortium et al., 2015; Exome Variant Server). The G187S variant is a non-conservative amino acid substitution, which is likely to impact secondary protein structure as these residues differ in polarity, charge, size and/or other properties. This substitution occurs at a position that is conserved across species. In silico analysis predicts this variant is probably damaging to the protein structure/function. Additionally, a missense variant in a nearby residue (H186R) has been reported as a homozygous finding in an individual with Walker-Warburg syndrome (Manzini et al., 2008), supporting the functional importance of this region of the protein. We interpret G187S as a variant of uncertain significance.

Natera, Inc.
Classification: Uncertain significance for Walker-Warburg congenital muscular dystrophy. Last evaluated: 2021-07-19. Review status: no assertion criteria provided. Collection method: clinical testing. Allele origin: germline. Not counted in ClinVar's aggregate classification.

Literature cited by the submitters: PubMed 31862442 (cited by Labcorp Genetics (formerly Invitae), Labcorp).

NM_001079802.2(FKTN):c.559G>A (p.Gly187Ser)

Gene: FKTN (fukutin; plus strand). Cytogenetic location: 9q31.2.
Variant type: single nucleotide variant.
Coding change: c.559G>A on transcript NM_001079802.2 (MANE Select); coding-DNA position 559, G replaced by A.
Protein change: p.Gly187Ser; replaces glycine 187 with serine.
Molecular consequence: missense variant. On other transcripts: non-coding transcript variant (2).
Genome position (GRCh38, 1-based): chr9:105,604,404, G>A. VCF-style: chr9-105604404-G-A. GRCh37 (hg19) VCF-style: chr9-108366685-G-A.
Other names: c.559G>A, p.Gly187Ser (NM_001198963.2, NM_001351496.2, NM_001351498.2 and 1 more transcripts); c.490G>A, p.Gly164Ser (NM_001351497.2); c.163G>A, p.Gly55Ser (NM_001351499.2, NM_001351500.2, NM_001351501.2 and 1 more transcripts); short protein forms G187S, G55S, G164S.
Identifiers: ClinVar variation 450015 (VCV000450015.11), dbSNP rs1187674499, ClinGen allele CA374332254.